The following is an entry in ClinVar:

NM_000264.5(PTCH1):c.3706G>A (p.Glu1236Lys)

Gene: PTCH1 (patched 1; minus strand). Cytogenetic location: 9q22.32.
Variant type: single nucleotide variant.
Coding change: c.3706G>A on transcript NM_000264.5 (MANE Select); coding-DNA position 3706, G replaced by A.
Protein change: p.Glu1236Lys; replaces glutamic acid 1236 with lysine.
Molecular consequence: missense variant. On other transcripts: non-coding transcript variant (1).
Genome position (GRCh38, 1-based): chr9:95,449,167, C>T on the plus strand (G>A on the coding strand, the complement: PTCH1 is on the minus strand). VCF-style: chr9-95449167-C-T. GRCh37 (hg19) VCF-style: chr9-98211449-C-T.
Other names: c.3508G>A, p.Glu1170Lys (NM_001083602.3); c.3703G>A, p.Glu1235Lys (NM_001083603.3); c.3253G>A, p.Glu1085Lys (NM_001083604.3, NM_001083605.3, NM_001083606.3 and 1 more transcripts); c.3550G>A, p.Glu1184Lys (NM_001354918.2); short protein forms E1170K, E1184K, E1235K, E1236K, E1085K.
Identifiers: ClinVar variation 850559 (VCV000850559.12), dbSNP rs779844193, ClinGen allele CA5138082.

ClinVar aggregate classification (germline): Conflicting classifications of pathogenicity. Review status: criteria provided, conflicting classifications (1 of 4 stars). 4 submissions from 4 submitters: Uncertain significance (3); Benign (1). Last evaluated 2026-01-20.

Conditions:
Hereditary cancer-predisposing syndrome. Also called: Neoplastic Syndromes, Hereditary; Hereditary Cancer Syndrome; Hereditary neoplastic syndrome; Tumor predisposition. Identifiers: Orphanet 140162, MedGen C0027672, MeSH D009386, MONDO:0015356.
Gorlin syndrome. Also called: Nevoid Basal Cell Carcinoma Syndrome; Basal cell nevus syndrome. Identifiers: Orphanet 377, MedGen C0004779, MONDO:0007187.
PTCH1-related disorder. Also called: PTCH1-related disorders; PTCH1-related condition.

Allele frequency attached by ClinVar (database versions not stated): gnomAD 0.00001; gnomAD exomes 0.00001; ExAC 0.00002.
gnomAD v4.1: 13 of 1,613,158 alleles (0.00081%); highest among the groups gnomAD compares: African/African-American, 0.0027%; no homozygotes.

Submissions (4):

Labcorp Genetics (formerly Invitae), Labcorp
Classification: Benign for Gorlin syndrome. Last evaluated: 2026-01-20. Review status: criteria provided, single submitter. Criteria: Invitae Variant Classification Sherloc (09022015). Collection method: clinical testing. Allele origin: germline.

GeneDx
Classification: Uncertain significance. Last evaluated: 2024-07-19. Review status: criteria provided, single submitter. Criteria: GeneDx Variant Classification Process June 2021. Collection method: clinical testing. Allele origin: germline. Affected: yes.
Comment: Not observed at significant frequency in large population cohorts (gnomAD); In silico analysis indicates that this missense variant does not alter protein structure/function; Has not been previously published as pathogenic or benign to our knowledge

Ambry Genetics
Classification: Uncertain significance for Hereditary cancer-predisposing syndrome. Last evaluated: 2024-04-12. Review status: criteria provided, single submitter. Criteria: Ambry Variant Classification Scheme 2023. Collection method: clinical testing. Allele origin: germline.
Comment: The p.E1236K variant (also known as c.3706G>A), located in coding exon 22 of the PTCH1 gene, results from a G to A substitution at nucleotide position 3706. The glutamic acid at codon 1236 is replaced by lysine, an amino acid with similar properties. This amino acid position is well conserved in available vertebrate species. In addition, the in silico prediction for this alteration is inconclusive. Since supporting evidence is limited at this time, the clinical significance of this alteration remains unclear.

PreventionGenetics, part of Exact Sciences
Classification: Uncertain significance for PTCH1-related condition. Last evaluated: 2023-07-13. Review status: criteria provided, single submitter. Criteria: ACMG Guidelines, 2015. Collection method: clinical testing. Allele origin: germline.
Comment: The PTCH1 c.3706G>A variant is predicted to result in the amino acid substitution p.Glu1236Lys. To our knowledge, this variant has not been reported in the literature. This variant is reported in 0.0033% of alleles in individuals of South Asian descent in gnomAD and has conflicting interpretations of pathogenicity in ClinVar ranging from likely benign to uncertain. At this time, the clinical significance of this variant is uncertain due to the absence of conclusive functional and genetic evidence.